The following is an entry in ClinVar:

NM_020163.3(SEMA3G):c.1879-4G>C

Gene: SEMA3G (semaphorin 3G; minus strand). Cytogenetic location: 3p21.1.
Variant type: single nucleotide variant.
Coding change: c.1879-4G>C on transcript NM_020163.3 (MANE Select); 4 bases into the intron before coding-DNA position 1879, G replaced by C.
Molecular consequence: intron variant.
Genome position (GRCh38, 1-based): chr3:52,436,077, C>G on the plus strand (G>C on the coding strand, the complement: SEMA3G is on the minus strand). VCF-style: chr3-52436077-C-G. GRCh37 (hg19) VCF-style: chr3-52470093-C-G.
Identifiers: ClinVar variation 3353422 (VCV003353422.1).

ClinVar aggregate classification (germline): Likely benign (0 of 4 stars; one submission).

Conditions:
SEMA3G-related disorder. Also called: SEMA3G-related condition.

Submission:

PreventionGenetics, part of Exact Sciences
Classification: Likely benign for SEMA3G-related condition. Last evaluated: 2022-07-20. Review status: no assertion criteria provided. Collection method: clinical testing. Allele origin: germline.
Comment: This variant is classified as likely benign based on ACMG/AMP sequence variant interpretation guidelines (Richards et al. 2015 PMID: 25741868, with internal and published modifications).